The following is an entry in ClinVar:

NM_206933.4(USH2A):c.9270C>A (p.Cys3090Ter)

Gene: USH2A (usherin; minus strand). Cytogenetic location: 1q41.
Variant type: single nucleotide variant.
Coding change: c.9270C>A on transcript NM_206933.4 (MANE Select); coding-DNA position 9270, C replaced by A.
Protein change: p.Cys3090Ter; replaces cysteine 3090 with a stop codon.
Molecular consequence: nonsense.
Genome position (GRCh38, 1-based): chr1:215,838,092, G>T on the plus strand (C>A on the coding strand, the complement: USH2A is on the minus strand). VCF-style: chr1-215838092-G-T. GRCh37 (hg19) VCF-style: chr1-216011434-G-T.
Other names: short protein forms C3090*.
Identifiers: ClinVar variation 557177 (VCV000557177.59), dbSNP rs779572631, ClinGen allele CA1394362.
Genomic context (GRCh38, chr1:215,838,092, plus strand): 5'-TGGAGTGTCTTCCACAGTGGTAATTTGGGTTCCATTGCTTTTCACGCAGGCATATATTGT[G>T]CAGACTTCAACCTGCAAACATTAGTTTAGAAAAAATAAATGCAACCATTTTTGAAATACT-3'

ClinVar aggregate classification (germline): Pathogenic. Review status: criteria provided, multiple submitters, no conflicts (2 of 4 stars). 11 submissions from 10 submitters: Pathogenic (10). 1 of the submissions does not count toward it. Last evaluated 2025-07-22.

Conditions:
Retinitis pigmentosa 39 (RP39). Identifiers: Orphanet 791, MedGen C3151138, MONDO:0013436, OMIM 613809.
Usher syndrome type 2A. Also called: USHER SYNDROME, TYPE IIA; RETINAL DISEASE IN USHER SYNDROME TYPE IIA, MODIFIER OF. Identifiers: Orphanet 231178, Orphanet 886, MedGen C1848634, MONDO:0010169, OMIM 276901.
USH2A-related disorder. Also called: USH2A-related disorders; USH2A-related condition. Identifiers: MedGen CN239332.
Retinal dystrophy. Also called: Inherited retinal dystrophy. Identifiers: Orphanet 71862, MedGen C0854723, MeSH D058499, MONDO:0019118, HP:0000556.

Allele frequency attached by ClinVar (database versions not stated): gnomAD exomes below 0.00001; TOPMed below 0.00001; ExAC 0.00001.
gnomAD v4.1: 2 of 1,613,764 alleles (0.00012%); highest among the groups gnomAD compares: Non-Finnish European, 0.00017%; no homozygotes.

Submissions (11):

Labcorp Genetics (formerly Invitae), Labcorp
Classification: Pathogenic. Last evaluated: 2025-07-22. Review status: criteria provided, single submitter. Criteria: Invitae Variant Classification Sherloc (09022015). Collection method: clinical testing. Allele origin: germline.
Comment: This sequence change creates a premature translational stop signal (p.Cys3090*) in the USH2A gene. It is expected to result in an absent or disrupted protein product. Loss-of-function variants in USH2A are known to be pathogenic (PMID: 10729113, 10909849, 20507924, 25649381). This variant is present in population databases (rs779572631, gnomAD 0.0009%). This premature translational stop signal has been observed in individual(s) with clinical features of USH2A-related conditions (PMID: 20507924). ClinVar contains an entry for this variant (Variation ID: 557177). For these reasons, this variant has been classified as Pathogenic.

Equipe Genetique des Anomalies du Developpement, Université de Bourgogne
Classification: Pathogenic for Usher syndrome type 2A. Last evaluated: 2025-07-16. Review status: criteria provided, single submitter. Criteria: ACMG Guidelines, 2015. Collection method: clinical testing. Allele origin: paternal. Affected: yes.
Comment: It is absent from the gnomAD v4.1.0 database in the homozygous state. This variant is reported as pathogenic in the ClinVar and LOVD databases and has been described multiple times in the literature as pathogenic (PMID: 27460420). Biallelic pathogenic variants in USH2A are associated with Usher syndrome type 2A (OMIM #276901), an autosomal recessive disorder characterized by congenital bilateral hearing loss and progressive-onset retinitis pigmentosa. According to current evidence, this variant is classified as pathogenic (Class 5, ACMG criteria).

Natera, Inc.
Classification: Pathogenic for Usher syndrome type 2A. Last evaluated: 2025-04-29. Review status: criteria provided, single submitter. Criteria: Natera Variant Classification Schema (03/2026). Collection method: clinical testing. Allele origin: germline.
Comment: The c.9270C>A variant in USH2A is a nonsense variant predicted to introduce a stop codon at amino acid 3090. This variant is expected to result in nonsense mediated decay, truncation, or a dysfunctional protein product. This variant is rare in the general population with a frequency below the threshold expected for the associated phenotype(s). This variant has been observed in one or more individuals affected with the associated recessive disease, as either homozygous or compound heterozygous with a second variant (PMID: 28944237). Given the available evidence, this variant is classified as Pathogenic.

Baylor Genetics
Classification: Pathogenic for Retinitis pigmentosa 39. Last evaluated: 2024-01-19. Review status: criteria provided, single submitter. Criteria: ACMG Guidelines, 2015. Collection method: clinical testing. Allele origin: unknown.

Genome-Nilou Lab
Classification: Pathogenic for Retinitis pigmentosa 39. Last evaluated: 2023-11-04. Review status: criteria provided, single submitter. Criteria: ACMG Guidelines, 2015. Collection method: clinical testing. Allele origin: germline. Affected: no.

Genome-Nilou Lab
Classification: Pathogenic for Usher syndrome type 2A. Last evaluated: 2023-11-04. Review status: criteria provided, single submitter. Criteria: ACMG Guidelines, 2015. Collection method: clinical testing. Allele origin: germline. Affected: no.

Blueprint Genetics
Classification: Pathogenic for USH2A-related disorders. Last evaluated: 2022-07-20. Review status: criteria provided, single submitter. Criteria: ACMG Guidelines, 2015. Collection method: clinical testing. Allele origin: germline. Affected: yes. Observed: 3 variant alleles.

Centre of Medical Genetics, University Hospital Muenster
Classification: Pathogenic. Last evaluated: 2021-12-20. Review status: criteria provided, single submitter. Criteria: ACMG Guidelines, 2015. Collection method: clinical testing. Allele origin: unknown. Affected: yes. Observed: 1 variant allele, 1 heterozygote.
Comment: ACMG categories: PVS1,PM2,PM3,PP5

CeGaT Center for Human Genetics Tuebingen
Classification: Pathogenic. Last evaluated: 2018-06-01. Review status: criteria provided, single submitter. Criteria: CeGaT Center For Human Genetics Tuebingen Variant Classification Criteria Version 2. Collection method: clinical testing. Allele origin: germline. Affected: yes. Observed: 1 variant allele.

Institute of Human Genetics, Univ. Regensburg, Univ. Regensburg
Classification: Pathogenic for Retinal dystrophy. Last evaluated: 2014-01-01. Review status: criteria provided, single submitter. Criteria: ACMG Guidelines, 2015. Collection method: clinical testing. Allele origin: germline. Affected: yes.

Counsyl
Classification: Pathogenic for Usher syndrome type 2A; Retinitis pigmentosa 39. Last evaluated: 2018-03-12. Review status: no assertion criteria provided. Collection method: clinical testing. Allele origin: unknown. Not counted in ClinVar's aggregate classification.

Literature cited by the submitters: PubMed 10729113 (cited by Labcorp Genetics (formerly Invitae), Labcorp); PubMed 10909849 (cited by Labcorp Genetics (formerly Invitae), Labcorp); PubMed 20507924 (cited by 3 submitters); PubMed 25649381 (cited by Labcorp Genetics (formerly Invitae), Labcorp); PubMed 27460420 (cited by Equipe Genetique des Anomalies du Developpement, Université de Bourgogne and Counsyl); PubMed 28944237 (cited by Natera, Inc.); PubMed 25525159 (cited by Institute of Human Genetics, Univ. Regensburg, Univ. Regensburg); PubMed 32467589 (cited by Institute of Human Genetics, Univ. Regensburg, Univ. Regensburg); PubMed 31964843 (cited by Institute of Human Genetics, Univ. Regensburg, Univ. Regensburg); PubMed 32531858 (cited by Institute of Human Genetics, Univ. Regensburg, Univ. Regensburg); PubMed 33576794 (cited by Institute of Human Genetics, Univ. Regensburg, Univ. Regensburg); PubMed 34781295 (cited by Institute of Human Genetics, Univ. Regensburg, Univ. Regensburg); PubMed 35266249 (cited by Institute of Human Genetics, Univ. Regensburg, Univ. Regensburg); PubMed 25097241 (cited by Counsyl); PubMed 23591405 (cited by Counsyl).